The following is an entry in ClinVar:

ClinVar aggregate classification (germline): Pathogenic. Review status: criteria provided, multiple submitters, no conflicts (2 of 4 stars). 3 submissions from 3 submitters: Pathogenic (3). Last evaluated 2025-10-27.

Conditions:
L-2-hydroxyglutaric aciduria (L2HGA). Identifiers: Orphanet 79314, MedGen C1855995, MONDO:0009370, OMIM 236792, HP:0040144.
L2HGDH-related disorders.

Submissions (3):

GeneDx
Classification: Pathogenic. Last evaluated: 2025-10-27. Review status: criteria provided, single submitter. Criteria: GeneDx Variant Classification Process June 2021. Collection method: clinical testing. Allele origin: germline.
Comment: Frameshift variant predicted to result in protein truncation or nonsense mediated decay in a gene for which loss of function is a known mechanism of disease; This variant is associated with the following publications: (PMID: 24321868, 20052767, 16134148)

Labcorp Genetics (formerly Invitae), Labcorp
Classification: Pathogenic for L-2-hydroxyglutaric aciduria. Last evaluated: 2025-04-10. Review status: criteria provided, single submitter. Criteria: Invitae Variant Classification Sherloc (09022015). Collection method: clinical testing. Allele origin: germline.
Comment: This sequence change creates a premature translational stop signal (p.Pro177Hisfs*6) in the L2HGDH gene. It is expected to result in an absent or disrupted protein product. Loss-of-function variants in L2HGDH are known to be pathogenic (PMID: 16134148, 20052767). Information on the frequency of this variant in the gnomAD database is not available, as this variant may be reported differently in the database. This premature translational stop signal has been observed in individuals with L-2-hydroxyglutaric aciduria (PMID: 16134148). For these reasons, this variant has been classified as Pathogenic.

Blueprint Genetics
Classification: Pathogenic for L2HGDH-related disorders. Last evaluated: 2022-05-30. Review status: criteria provided, single submitter. Criteria: ACMG Guidelines, 2015. Collection method: clinical testing. Allele origin: germline. Affected: yes. Observed: 2 variant alleles.

Literature cited by the submitters: PubMed 16134148 (cited by Labcorp Genetics (formerly Invitae), Labcorp); PubMed 20052767 (cited by Labcorp Genetics (formerly Invitae), Labcorp).

NM_024884.3(L2HGDH):c.530_533delinsATT (p.Pro177fs)

Gene: L2HGDH (L-2-hydroxyglutarate dehydrogenase; minus strand). Cytogenetic location: 14q21.3.
Variant type: Indel.
Coding change: c.530_533delinsATT on transcript NM_024884.3 (MANE Select); coding-DNA positions 530 to 533, CATA replaced by ATT.
Protein change: p.Pro177fs; shifts the reading frame from proline 177.
Molecular consequence: frameshift variant.
Genome position (GRCh38, 1-based): chr14:50,294,122-50,294,125, TATG replaced by AAT on the plus strand (CATA replaced by ATT on the coding strand, the reverse complement: L2HGDH is on the minus strand). VCF-style: chr14-50294122-TATG-AAT. GRCh37 (hg19) VCF-style: chr14-50760840-TATG-AAT.
Other names: c.530_533delinsATT (NM_024884.2); short protein forms P177fs.
Identifiers: ClinVar variation 2430996 (VCV002430996.6), dbSNP rs2502472420, ClinGen allele CA2580088182.
Genomic context (GRCh38, chr14:50,294,122, plus strand): 5'-CCATGTCTCAGGACTAAGCCCTAAATAAAAACATCCCTTTGTTAATCACTTACCCTACAA[TATG>AAT]GCTCCTTCTTTTTTATATCCTCCTGCTGGATCAGCCTCAGGCCCGGGACACCATTCTGGA-3'